The following is an entry in ClinVar:

ClinVar aggregate classification (germline): Benign/Likely benign. Review status: criteria provided, multiple submitters, no conflicts (2 of 4 stars). 4 submissions from 4 submitters: Benign (3); Likely benign (1). Last evaluated 2026-09-01.

Allele frequency attached by ClinVar (database versions not stated): ESP Exome Variant Server 0.00100; gnomAD 0.00102 and 0.00125; TOPMed 0.00110; gnomAD exomes 0.00220; ExAC 0.00239; 1000 Genomes Project 30x 0.00250; 1000 Genomes Project 0.00280.
gnomAD v4.1: 2,286 of 1,604,240 alleles (0.14%); highest among the groups gnomAD compares: Middle Eastern, 1.1%; 28 homozygotes.

Submissions (4):

CeGaT Center for Human Genetics Tuebingen
Classification: Likely benign. Last evaluated: 2026-09-01. Review status: criteria provided, single submitter. Criteria: CeGaT Center For Human Genetics Tuebingen Variant Classification Criteria Version 2. Collection method: clinical testing. Allele origin: germline. Affected: yes. Observed: 2 variant alleles.
Comment: CDC14A: BP4, BS2

Labcorp Genetics (formerly Invitae), Labcorp
Classification: Benign. Last evaluated: 2025-12-11. Review status: criteria provided, single submitter. Criteria: Invitae Variant Classification Sherloc (09022015). Collection method: clinical testing. Allele origin: germline.

GeneDx
Classification: Benign. Last evaluated: 2019-08-26. Review status: criteria provided, single submitter. Criteria: GeneDx Variant Classification Process June 2021. Collection method: clinical testing. Allele origin: germline. Affected: yes.

Breakthrough Genomics
Classification: Benign. Review status: criteria provided, single submitter. Criteria: ACMG Guidelines, 2015. Collection method: not provided. Allele origin: germline. Inheritance: Autosomal recessive inheritance. Affected: yes.

NM_003672.4(CDC14A):c.1034G>A (p.Arg345Gln)

Gene: CDC14A (cell division cycle 14A; plus strand). Cytogenetic location: 1p21.2.
Variant type: single nucleotide variant.
Coding change: c.1034G>A on transcript NM_003672.4 (MANE Select); coding-DNA position 1034, G replaced by A.
Protein change: p.Arg345Gln; replaces arginine 345 with glutamine.
Molecular consequence: missense variant.
Genome position (GRCh38, 1-based): chr1:100,484,348, G>A. VCF-style: chr1-100484348-G-A. GRCh37 (hg19) VCF-style: chr1-100949904-G-A.
Other names: c.1034G>A, p.Arg345Gln (NM_001319210.2, NM_033312.3, NM_033313.3); c.860G>A, p.Arg287Gln (NM_001319211.2); c.155G>A, p.Arg52Gln (NM_001319212.2); short protein forms R287Q, R345Q, R52Q.
Identifiers: ClinVar variation 682947 (VCV000682947.34), dbSNP rs28364897, ClinGen allele CA970773.